The following is an entry in ClinVar:

NM_133433.4(NIPBL):c.2332G>C (p.Glu778Gln)

Gene: NIPBL (NIPBL cohesin loading factor; plus strand). Cytogenetic location: 5p13.2.
Variant type: single nucleotide variant.
Coding change: c.2332G>C on transcript NM_133433.4 (MANE Select); coding-DNA position 2332, G replaced by C.
Protein change: p.Glu778Gln; replaces glutamic acid 778 with glutamine.
Molecular consequence: missense variant.
Genome position (GRCh38, 1-based): chr5:36,985,512, G>C. VCF-style: chr5-36985512-G-C. GRCh37 (hg19) VCF-style: chr5-36985614-G-C.
Other names: c.2332G>C, p.Glu778Gln (NM_015384.5); short protein forms E778Q.
Identifiers: ClinVar variation 1004327 (VCV001004327.10), dbSNP rs1744671339, ClinGen allele CA359500658.

ClinVar aggregate classification (germline): Uncertain significance (1 of 4 stars; one submission).

Conditions:
Cornelia de Lange syndrome 1 (CDLS1). Also called: Brachmann de Lange syndrome; NIPBL-Related Cornelia de Lange Syndrome; TYPUS DEGENERATIVUS AMSTELODAMENSIS. Identifiers: Orphanet 199, MedGen C4551851, MONDO:0007387, OMIM 122470.

Allele frequency attached by ClinVar (database versions not stated): gnomAD exomes below 0.00001.
gnomAD v4.1: 1 of 1,613,636 alleles (0.000062%); highest among the groups gnomAD compares: Non-Finnish European, 0.000085%; no homozygotes.

Submission:

Labcorp Genetics (formerly Invitae), Labcorp
Classification: Uncertain significance for Cornelia de Lange syndrome 1. Last evaluated: 2022-07-26. Review status: criteria provided, single submitter. Criteria: Invitae Variant Classification Sherloc (09022015). Collection method: clinical testing. Allele origin: germline.
Comment: In summary, the available evidence is currently insufficient to determine the role of this variant in disease. Therefore, it has been classified as a Variant of Uncertain Significance. Advanced modeling of protein sequence and biophysical properties (such as structural, functional, and spatial information, amino acid conservation, physicochemical variation, residue mobility, and thermodynamic stability) performed at Invitae indicates that this missense variant is not expected to disrupt NIPBL protein function. ClinVar contains an entry for this variant (Variation ID: 1004327). This variant has not been reported in the literature in individuals affected with NIPBL-related conditions. This variant is not present in population databases (gnomAD no frequency). This sequence change replaces glutamic acid, which is acidic and polar, with glutamine, which is neutral and polar, at codon 778 of the NIPBL protein (p.Glu778Gln).